The following is an entry in ClinVar:

ClinVar aggregate classification (germline): Pathogenic (1 of 4 stars; one submission).

Conditions:
Fanconi anemia (FA). Also called: Fanconi's anemia. Identifiers: Orphanet 84, MedGen C0015625, MeSH D005199, MONDO:0019391.

Allele frequency attached by ClinVar (database versions not stated): gnomAD exomes below 0.00001.
gnomAD v4.1: 1 of 1,614,226 alleles (0.000062%); highest among the groups gnomAD compares: Non-Finnish European, 0.000085%; no homozygotes.

Submission:

Labcorp Genetics (formerly Invitae), Labcorp
Classification: Pathogenic for Fanconi anemia. Last evaluated: 2021-12-21. Review status: criteria provided, single submitter. Criteria: Invitae Variant Classification Sherloc (09022015). Collection method: clinical testing. Allele origin: germline.
Comment: For these reasons, this variant has been classified as Pathogenic. This variant has not been reported in the literature in individuals affected with FANCG-related conditions. This variant is not present in population databases (gnomAD no frequency). This sequence change creates a premature translational stop signal (p.Ser336*) in the FANCG gene. It is expected to result in an absent or disrupted protein product. Loss-of-function variants in FANCG are known to be pathogenic (PMID: 12552564).

Literature cited by the submitters: PubMed 12552564.

NM_004629.2(FANCG):c.1007C>A (p.Ser336Ter)

Gene: FANCG (FA complementation group G; minus strand). Cytogenetic location: 9p13.3.
Variant type: single nucleotide variant.
Coding change: c.1007C>A on transcript NM_004629.2 (MANE Select); coding-DNA position 1007, C replaced by A.
Protein change: p.Ser336Ter; replaces serine 336 with a stop codon.
Molecular consequence: nonsense.
Genome position (GRCh38, 1-based): chr9:35,076,501, G>T on the plus strand (C>A on the coding strand, the complement: FANCG is on the minus strand). VCF-style: chr9-35076501-G-T. GRCh37 (hg19) VCF-style: chr9-35076498-G-T.
Other names: short protein forms S336*.
Identifiers: ClinVar variation 1362165 (VCV001362165.6), dbSNP rs2131055405, ClinGen allele CA373310884.